The following is an entry in ClinVar:

NM_001077268.2(ZFYVE19):c.760C>A (p.Gln254Lys)

Gene: ZFYVE19 (zinc finger FYVE-type containing 19; plus strand). Cytogenetic location: 15q15.1.
Variant type: single nucleotide variant.
Coding change: c.760C>A on transcript NM_001077268.2 (MANE Select); coding-DNA position 760, C replaced by A.
Protein change: p.Gln254Lys; replaces glutamine 254 with lysine.
Molecular consequence: missense variant.
Genome position (GRCh38, 1-based): chr15:40,810,691, C>A. VCF-style: chr15-40810691-C-A. GRCh37 (hg19) VCF-style: chr15-41102889-C-A.
Other names: c.760C>A, p.Gln254Lys (NM_001258420.2); c.235C>A, p.Gln79Lys (NM_001258421.2); c.730C>A, p.Gln244Lys (NM_032850.5); short protein forms Q244K, Q254K, Q79K.
Identifiers: ClinVar variation 3041587 (VCV003041587.2), dbSNP rs533156538, ClinGen allele CA7485749.

ClinVar aggregate classification (germline): Likely benign (0 of 4 stars; one submission).

Conditions:
ZFYVE19-related disorder. Also called: ZFYVE19-related condition.

Allele frequency attached by ClinVar (database versions not stated): TOPMed 0.00001; gnomAD 0.00009; 1000 Genomes Project 30x 0.00047; 1000 Genomes Project 0.00060; ExAC 0.00060.
gnomAD v4.1: 194 of 1,577,910 alleles (0.012%); highest among the groups gnomAD compares: South Asian, 0.21%; no homozygotes.

Submission:

PreventionGenetics, part of Exact Sciences
Classification: Likely benign for ZFYVE19-related condition. Last evaluated: 2022-11-19. Review status: no assertion criteria provided. Collection method: clinical testing. Allele origin: germline.
Comment: This variant is classified as likely benign based on ACMG/AMP sequence variant interpretation guidelines (Richards et al. 2015 PMID: 25741868, with internal and published modifications).